The following is an entry in ClinVar:

ClinVar aggregate classification (germline): Uncertain significance (1 of 4 stars; one submission).

Submission:

GeneDx
Classification: Uncertain significance. Last evaluated: 2025-05-23. Review status: criteria provided, single submitter. Criteria: GeneDx Variant Classification Process June 2021. Collection method: clinical testing. Allele origin: germline. Affected: yes.
Comment: Not observed at significant frequency in large population cohorts (gnomAD); In silico analysis supports that this missense variant has a deleterious effect on protein structure/function; Has not been previously published as pathogenic or benign to our knowledge

NM_001370466.1(NOD2):c.668A>G (p.Asp223Gly)

Gene: NOD2 (nucleotide binding oligomerization domain containing 2; plus strand). Cytogenetic location: 16q12.1.
Variant type: single nucleotide variant.
Coding change: c.668A>G on transcript NM_001370466.1 (MANE Select); coding-DNA position 668, A replaced by G.
Protein change: p.Asp223Gly; replaces aspartic acid 223 with glycine.
Molecular consequence: missense variant. On other transcripts: non-coding transcript variant (1).
Genome position (GRCh38, 1-based): chr16:50,710,660, A>G. VCF-style: chr16-50710660-A-G. GRCh37 (hg19) VCF-style: chr16-50744571-A-G.
Other names: c.668A>G, p.Asp223Gly (NM_001293557.2); c.749A>G, p.Asp250Gly (NM_022162.3); short protein forms D223G, D250G.
Identifiers: ClinVar variation 4530761 (VCV004530761.1).